The following is an entry in ClinVar:

NM_001378454.1(ALMS1):c.7341T>C (p.Phe2447=)

Gene: ALMS1 (ALMS1 centrosome and basal body associated protein; plus strand). Cytogenetic location: 2p13.1.
Variant type: single nucleotide variant.
Coding change: c.7341T>C on transcript NM_001378454.1 (MANE Select); coding-DNA position 7341, T replaced by C.
Protein change: p.Phe2447=; no amino-acid change (phenylalanine 2447 retained).
Molecular consequence: synonymous variant.
Genome position (GRCh38, 1-based): chr2:73,453,868, T>C. VCF-style: chr2-73453868-T-C. GRCh37 (hg19) VCF-style: chr2-73680995-T-C.
Other names: c.7344T>C, p.Phe2448= (NM_015120.4).
Identifiers: ClinVar variation 1537727 (VCV001537727.9), dbSNP rs1430973672, ClinGen allele CA427023641.
Genomic context (GRCh38, chr2:73,453,868, plus strand): 5'-GTGGGACAGTAATTTACCAGAGTCTTTGGAATCAGTTTCTGATGTTCTTCTAAACTTCTT[T>C]CCATATGTTTCACCCAAGACAAGTATAACAGATAGCAGGGAGGAAGAGGGTGTGTCAGAG-3'
Protein context (NP_001365383.1, residues 2437-2457): ESVSDVLLNF[Phe2447=]PYVSPKTSIT

ClinVar aggregate classification (germline): Likely benign. Review status: criteria provided, multiple submitters, no conflicts (2 of 4 stars). 2 submissions from 2 submitters: Likely benign (2). Last evaluated 2026-01-15.

Conditions:
ALMS1-related disorder. Also called: ALMS1-related condition.
Alstrom syndrome (ALMS). Identifiers: Orphanet 64, MedGen C0268425, MONDO:0008763, OMIM 203800.

Allele frequency attached by ClinVar (database versions not stated): gnomAD exomes below 0.00001; gnomAD 0.00001; TOPMed 0.00001.
gnomAD v4.1: 5 of 1,614,020 alleles (0.00031%); highest among the groups gnomAD compares: Admixed American, 0.0017%; no homozygotes.

Submissions (2):

Labcorp Genetics (formerly Invitae), Labcorp
Classification: Likely benign for Alstrom syndrome. Last evaluated: 2026-01-15. Review status: criteria provided, single submitter. Criteria: Invitae Variant Classification Sherloc (09022015). Collection method: clinical testing. Allele origin: germline.

PreventionGenetics, part of Exact Sciences
Classification: Likely benign for ALMS1-related condition. Last evaluated: 2025-01-18. Review status: criteria provided, single submitter. Criteria: ACMG Guidelines, 2015. Collection method: clinical testing. Allele origin: germline.
Comment: This variant is classified as likely benign based on ACMG/AMP sequence variant interpretation guidelines (Richards et al. 2015 PMID: 25741868, with internal and published modifications).